The following is an entry in ClinVar:

ClinVar aggregate classification (germline): Uncertain significance (1 of 4 stars; one submission).

Allele frequency attached by ClinVar (database versions not stated): gnomAD 0.00001; gnomAD exomes 0.00001; TOPMed 0.00001.
gnomAD v4.1: 20 of 1,334,976 alleles (0.0015%); highest among the groups gnomAD compares: Admixed American, 0.012%; no homozygotes.

Submission:

GeneDx
Classification: Uncertain significance. Last evaluated: 2022-12-20. Review status: criteria provided, single submitter. Criteria: GeneDx Variant Classification Process June 2021. Collection method: clinical testing. Allele origin: germline. Affected: yes.
Comment: In silico analysis supports that this missense variant does not alter protein structure/function; Has not been previously published as pathogenic or benign to our knowledge

NM_001080453.3(INTS1):c.1100C>T (p.Ala367Val)

Gene: INTS1 (integrator complex subunit 1; minus strand). Cytogenetic location: 7p22.3.
Variant type: single nucleotide variant.
Coding change: c.1100C>T on transcript NM_001080453.3 (MANE Select); coding-DNA position 1100, C replaced by T.
Protein change: p.Ala367Val; replaces alanine 367 with valine.
Molecular consequence: missense variant.
Genome position (GRCh38, 1-based): chr7:1,499,012, G>A on the plus strand (C>T on the coding strand, the complement: INTS1 is on the minus strand). VCF-style: chr7-1499012-G-A. GRCh37 (hg19) VCF-style: chr7-1538648-G-A.
Other names: short protein forms A367V.
Identifiers: ClinVar variation 2506677 (VCV002506677.1), dbSNP rs757464215, ClinGen allele CA4120486.